The following is an entry in ClinVar:

ClinVar aggregate classification (germline): Uncertain significance. Review status: criteria provided, multiple submitters, no conflicts (2 of 4 stars). 3 submissions from 3 submitters: Uncertain significance (3). Last evaluated 2024-03-06.

Conditions:
Marfan syndrome (MFS). Also called: FBN1-Related Marfan Syndrome; MARFAN SYNDROME, TYPE I; Marfan syndrome type 1; Marfan's syndrome; Marfan syndrome, classic. Identifiers: Orphanet 284963, Orphanet 558, MedGen C0024796, MONDO:0007947, OMIM 154700.
Familial thoracic aortic aneurysm and aortic dissection (TAAD). Also called: Thoracic aortic aneurysms and dissections. Identifiers: Orphanet 91387, MedGen C4707243, MONDO:0019625.

Submissions (3):

Color Diagnostics, LLC DBA Color Health
Classification: Uncertain significance for Familial thoracic aortic aneurysm and aortic dissection. Last evaluated: 2024-03-06. Review status: criteria provided, single submitter. Criteria: ACMG Guidelines, 2015. Collection method: clinical testing. Allele origin: germline.
Comment: This missense variant replaces isoleucine with valine at codon 2458 of the FBN1 protein. Computational prediction suggests that this variant may not impact protein structure and function (internally defined REVEL score threshold <= 0.5, PMID: 27666373). To our knowledge, functional studies have not been reported for this variant. This variant has not been reported in individuals affected with cardiovascular disorders in the literature. This variant has not been identified in the general population by the Genome Aggregation Database (gnomAD). The available evidence is insufficient to determine the role of this variant in disease conclusively. Therefore, this variant is classified as a Variant of Uncertain Significance.

Labcorp Genetics (formerly Invitae), Labcorp
Classification: Uncertain significance for Marfan syndrome; Familial thoracic aortic aneurysm and aortic dissection. Last evaluated: 2024-01-16. Review status: criteria provided, single submitter. Criteria: Invitae Variant Classification Sherloc (09022015). Collection method: clinical testing. Allele origin: germline.
Comment: This sequence change replaces isoleucine, which is neutral and non-polar, with valine, which is neutral and non-polar, at codon 2458 of the FBN1 protein (p.Ile2458Val). This variant is not present in population databases (gnomAD no frequency). This variant has not been reported in the literature in individuals affected with FBN1-related conditions. Advanced modeling of protein sequence and biophysical properties (such as structural, functional, and spatial information, amino acid conservation, physicochemical variation, residue mobility, and thermodynamic stability) performed at Invitae indicates that this missense variant is not expected to disrupt FBN1 protein function with a negative predictive value of 95%. In summary, the available evidence is currently insufficient to determine the role of this variant in disease. Therefore, it has been classified as a Variant of Uncertain Significance.

Blueprint Genetics
Classification: Uncertain significance. Last evaluated: 2023-08-28. Review status: criteria provided, single submitter. Criteria: ACMG Guidelines, 2015. Collection method: clinical testing. Allele origin: germline.

NM_000138.5(FBN1):c.7372A>G (p.Ile2458Val)

Gene: FBN1 (fibrillin 1; minus strand). Cytogenetic location: 15q21.1.
Variant type: single nucleotide variant.
Coding change: c.7372A>G on transcript NM_000138.5 (MANE Select); coding-DNA position 7372, A replaced by G.
Protein change: p.Ile2458Val; replaces isoleucine 2458 with valine.
Molecular consequence: missense variant.
Genome position (GRCh38, 1-based): chr15:48,425,450, T>C on the plus strand (A>G on the coding strand, the complement: FBN1 is on the minus strand). VCF-style: chr15-48425450-T-C. GRCh37 (hg19) VCF-style: chr15-48717647-T-C.
Other names: c.7372A>G, p.Ile2458Val (NM_001406716.1); short protein forms I2458V.
Identifiers: ClinVar variation 2773314 (VCV002773314.6), dbSNP rs2505406819, ClinGen allele CA392327915.